The following is an entry in ClinVar:

ClinVar aggregate classification (germline): Uncertain significance. Review status: criteria provided, multiple submitters, no conflicts (2 of 4 stars). 2 submissions from 2 submitters: Uncertain significance (2). Last evaluated 2022-08-07.

Conditions:
Nephronophthisis. Also called: Juvenile Nephronophthisis. Identifiers: Orphanet 655, MedGen C0687120, MONDO:0019005, HP:0000090.
Inborn genetic diseases. Identifiers: MedGen C0950123, MeSH D030342.

Submissions (2):

Labcorp Genetics (formerly Invitae), Labcorp
Classification: Uncertain significance for Nephronophthisis. Last evaluated: 2022-08-07. Review status: criteria provided, single submitter. Criteria: Invitae Variant Classification Sherloc (09022015). Collection method: clinical testing. Allele origin: germline.
Comment: This variant has not been reported in the literature in individuals affected with NPHP3-related conditions. Algorithms developed to predict the effect of missense changes on protein structure and function are either unavailable or do not agree on the potential impact of this missense change (SIFT: "Deleterious"; PolyPhen-2: "Probably Damaging"; Align-GVGD: "Class C0"). In summary, the available evidence is currently insufficient to determine the role of this variant in disease. Therefore, it has been classified as a Variant of Uncertain Significance. This variant is not present in population databases (gnomAD no frequency). This sequence change replaces alanine, which is neutral and non-polar, with valine, which is neutral and non-polar, at codon 1245 of the NPHP3 protein (p.Ala1245Val).

Ambry Genetics
Classification: Uncertain significance for Inborn genetic diseases. Last evaluated: 2022-06-24. Review status: criteria provided, single submitter. Criteria: Ambry Variant Classification Scheme 2023. Collection method: clinical testing. Allele origin: germline.

NM_153240.5(NPHP3):c.3734C>T (p.Ala1245Val)

Genes: NPHP3 (nephrocystin 3; minus strand), NPHP3-ACAD11 (NPHP3-ACAD11 readthrough (NMD candidate); minus strand). Cytogenetic location: 3q22.1.
Variant type: single nucleotide variant.
Coding change: c.3734C>T on transcript NM_153240.5 (MANE Select); coding-DNA position 3734, C replaced by T.
Protein change: p.Ala1245Val; replaces alanine 1245 with valine.
Molecular consequence: missense variant. On other transcripts: non-coding transcript variant (1).
Genome position (GRCh38, 1-based): chr3:132,682,781, G>A on the plus strand (C>T on the coding strand, the complement: NPHP3 is on the minus strand). VCF-style: chr3-132682781-G-A. GRCh37 (hg19) VCF-style: chr3-132401625-G-A.
Other names: c.3734C>T (NM_153240.4); short protein forms A1245V.
Identifiers: ClinVar variation 1715477 (VCV001715477.7), dbSNP rs1939065629, ClinGen allele CA354578335.
Genomic context (GRCh38, chr3:132,682,781, plus strand): 5'-TTCAGTGTTTCTCCAACTCGAGGATGCATCCGACCCAGGCTATCTTCATAAATCTTTAAT[G>A]CTCTTTCATATAATGGCAAAGCTTCAACGTGTTTTTTCTTATTAAAAAAAATGATAATGC-3'
Protein context (NP_694972.3, residues 1235-1255): HVEALPLYER[Ala1245Val]LKIYEDSLGR